The following is an entry in ClinVar:

NM_001080449.3(DNA2):c.2842A>G (p.Lys948Glu)

Gene: DNA2 (DNA replication helicase/nuclease 2; minus strand). Cytogenetic location: 10q21.3.
Variant type: single nucleotide variant.
Coding change: c.2842A>G on transcript NM_001080449.3 (MANE Select); coding-DNA position 2842, A replaced by G.
Protein change: p.Lys948Glu; replaces lysine 948 with glutamic acid.
Molecular consequence: missense variant. On other transcripts: non-coding transcript variant (1).
Genome position (GRCh38, 1-based): chr10:68,419,159, T>C on the plus strand (A>G on the coding strand, the complement: DNA2 is on the minus strand). VCF-style: chr10-68419159-T-C. GRCh37 (hg19) VCF-style: chr10-70178916-T-C.
Other names: short protein forms K948E.
Identifiers: ClinVar variation 3907726 (VCV003907726.1).
Genomic context (GRCh38, chr10:68,419,159, plus strand): 5'-TGTCTACTGTATTAACTTCGACCATCCCAATAGAACGTGCCAATAAATCATTGATGATCT[T>C]TAATTGCTGCCTGTACGGTGCAATAATACCAATATCAGAGGGACTGCATCCAGCCTAAAT-3'
Protein context (NP_001073918.2, residues 938-958): GIIAPYRQQL[Lys948Glu]IINDLLARSI

ClinVar aggregate classification (germline): Uncertain significance (1 of 4 stars; one submission).

Submission:

GeneDx
Classification: Uncertain significance. Last evaluated: 2024-12-31. Review status: criteria provided, single submitter. Criteria: GeneDx Variant Classification Process June 2021. Collection method: clinical testing. Allele origin: germline. Affected: yes.
Comment: Not observed at significant frequency in large population cohorts (gnomAD); In silico analysis indicates that this missense variant does not alter protein structure/function; Has not been previously published as pathogenic or benign to our knowledge